The following is an entry in ClinVar:

ClinVar aggregate classification (germline): Likely pathogenic (1 of 4 stars; one submission).

Submission:

Athena Diagnostics
Classification: Likely pathogenic. Last evaluated: 2024-05-07. Review status: criteria provided, single submitter. Criteria: Athena Diagnostics Criteria. Collection method: clinical testing. Allele origin: unknown.
Comment: This variant is expected to severely impact normal RNA splicing, and consequently, protein structure and/or function. This variant has not been reported in large, multi-ethnic general populations.

NM_001127222.2(CACNA1A):c.5401-1G>C

Gene: CACNA1A (calcium voltage-gated channel subunit alpha1 A; minus strand). Cytogenetic location: 19p13.13.
Variant type: single nucleotide variant.
Coding change: c.5401-1G>C on transcript NM_001127222.2 (MANE Select); the canonical splice acceptor site of the intron before coding-DNA position 5401, G replaced by C.
Molecular consequence: splice acceptor variant.
Genome position (GRCh38, 1-based): chr19:13,230,210, C>G on the plus strand (G>C on the coding strand, the complement: CACNA1A is on the minus strand). VCF-style: chr19-13230210-C-G. GRCh37 (hg19) VCF-style: chr19-13341024-C-G.
Other names: c.5404-1G>C (NM_001127221.2); c.5410-1G>C (NM_001174080.2); c.5419-1G>C (NM_000068.4, NM_023035.3).
Identifiers: ClinVar variation 3571714 (VCV003571714.1).